The following is an entry in ClinVar:

NM_000047.3(ARSL):c.332G>A (p.Arg111His)

Gene: ARSL (arylsulfatase L; minus strand). Cytogenetic location: Xp22.33.
Variant type: single nucleotide variant.
Coding change: c.332G>A on transcript NM_000047.3 (MANE Select); coding-DNA position 332, G replaced by A.
Protein change: p.Arg111His; replaces arginine 111 with histidine.
Molecular consequence: missense variant.
Genome position (GRCh38, 1-based): chrX:2,953,241, C>T on the plus strand (G>A on the coding strand, the complement: ARSL is on the minus strand). VCF-style: chrX-2953241-C-T. GRCh37 (hg19) VCF-style: chrX-2871282-C-T.
Other names: c.407G>A, p.Arg136His (NM_001282628.2, NM_001369080.1); c.170G>A, p.Arg57His (NM_001282631.2); c.359G>A, p.Arg120His (NM_001369079.1); short protein forms R111H, R120H, R57H, R136H.
Identifiers: ClinVar variation 372304 (VCV000372304.1), dbSNP rs122460153, ClinGen allele CA16043314.

ClinVar aggregate classification (germline): Likely pathogenic (1 of 4 stars; one submission).

Allele frequency attached by ClinVar (database versions not stated): TOPMed below 0.00001; gnomAD 0.00001.
gnomAD v4.1: 1 of 1,208,142 alleles (0.000083%); highest among the groups gnomAD compares: Non-Finnish European, 0.00011%; no homozygotes.

Submission:

GeneDx
Classification: Likely pathogenic. Last evaluated: 2016-08-19. Review status: criteria provided, single submitter. Criteria: GeneDx Variant Classification (06012015). Collection method: clinical testing. Allele origin: germline. Affected: yes.
Comment: The R111H variant has been published previously in association with X-linked chondrodysplasia punctata (Meyer et al., 2013). The variant was not observed in approximately 6,500 individuals of European and African American ancestry in the NHLBI Exome Sequencing Project, indicating it is not a common benign variant in these populations. The variant is a conservative amino acid substitution, which is not likely to impact secondary protein structure as these residues share similar properties. This substitution occurs at a position that is conserved in mammals; however, in silico analysis is inconsistent in its predictions as to whether or not the variant is damaging to the protein structure/function. A missense variant in the same residue (R111P) has been reported in the Human Gene Mutation Database in association with chondrodysplasia punctata (Stenson et al., 2014). An additional missense variant (R111C) has also been observed in a patient referred to GeneDx for testing, supporting the functional importance of this region of the protein. Therefore, this variant is likely pathogenic; however, the possibility that it is benign cannot be excluded.